The following is an entry in ClinVar:

ClinVar aggregate classification (germline): Benign (0 of 4 stars; one submission).

Conditions:
HIVEP3-related disorder. Also called: HIVEP3-related condition.

Allele frequency attached by ClinVar (database versions not stated): ESP Exome Variant Server 0.00326; TOPMed 0.00454; gnomAD 0.00564; 1000 Genomes Project 30x 0.01124; 1000 Genomes Project 0.01178; ExAC 0.03557.
gnomAD v4.1: 11,441 of 1,526,540 alleles (0.75%); highest among the groups gnomAD compares: South Asian, 4.4%; 164 homozygotes.

Submission:

PreventionGenetics, part of Exact Sciences
Classification: Benign for HIVEP3-related condition. Last evaluated: 2019-02-21. Review status: no assertion criteria provided. Collection method: clinical testing. Allele origin: germline.
Comment: This variant is classified as benign based on ACMG/AMP sequence variant interpretation guidelines (Richards et al. 2015 PMID: 25741868, with internal and published modifications).

NM_024503.5(HIVEP3):c.6968G>A (p.Arg2323Gln)

Gene: HIVEP3 (HIVEP zinc finger 3; minus strand). Cytogenetic location: 1p34.2.
Variant type: single nucleotide variant.
Coding change: c.6968G>A on transcript NM_024503.5 (MANE Select); coding-DNA position 6968, G replaced by A.
Protein change: p.Arg2323Gln; replaces arginine 2323 with glutamine.
Molecular consequence: missense variant.
Genome position (GRCh38, 1-based): chr1:41,510,704, C>T on the plus strand (G>A on the coding strand, the complement: HIVEP3 is on the minus strand). VCF-style: chr1-41510704-C-T. GRCh37 (hg19) VCF-style: chr1-41976375-C-T.
Other names: c.6965G>A, p.Arg2322Gln (NM_001127714.3); short protein forms R2322Q, R2323Q.
Identifiers: ClinVar variation 3042394 (VCV003042394.2), dbSNP rs200138511, ClinGen allele CA797040.